The following is an entry in ClinVar:

NM_152468.5(TMC8):c.1186A>G (p.Ile396Val)

Gene: TMC8 (transmembrane channel like 8; plus strand). Cytogenetic location: 17q25.3.
Variant type: single nucleotide variant.
Coding change: c.1186A>G on transcript NM_152468.5 (MANE Select); coding-DNA position 1186, A replaced by G.
Protein change: p.Ile396Val; replaces isoleucine 396 with valine.
Molecular consequence: missense variant.
Genome position (GRCh38, 1-based): chr17:78,137,293, A>G. VCF-style: chr17-78137293-A-G. GRCh37 (hg19) VCF-style: chr17-76133374-A-G.
Other names: short protein forms I396V.
Identifiers: ClinVar variation 664282 (VCV000664282.9), dbSNP rs149304896, ClinGen allele CA8796749.
Genomic context (GRCh38, chr17:78,137,293, plus strand): 5'-AGGTGCGTGGTGCTGAAGCTGGCCAGCTTGGGGATGTTCTCCGTCTCCCTGGGTCAGACC[A>G]TACTGTGCATTGGCAGAGACAAGAGCAGCTGTGAGTCCTACGGCTACAACGTTTGTGACT-3'
Protein context (NP_689681.2, residues 386-406): GMFSVSLGQT[Ile396Val]LCIGRDKSSC

ClinVar aggregate classification (germline): Uncertain significance (1 of 4 stars; one submission).

Conditions:
Epidermodysplasia verruciformis. Identifiers: Orphanet 302, MedGen C0014522, MONDO:0009176.

Allele frequency attached by ClinVar (database versions not stated): gnomAD 0.00001; TOPMed 0.00003; gnomAD exomes 0.00004 and 0.00011; ExAC 0.00007; ESP Exome Variant Server 0.00023.

Submission:

Labcorp Genetics (formerly Invitae), Labcorp
Classification: Uncertain significance for Epidermodysplasia verruciformis. Last evaluated: 2024-01-08. Review status: criteria provided, single submitter. Criteria: Invitae Variant Classification Sherloc (09022015). Collection method: clinical testing. Allele origin: germline.
Comment: This sequence change replaces isoleucine, which is neutral and non-polar, with valine, which is neutral and non-polar, at codon 396 of the TMC8 protein (p.Ile396Val). This variant is present in population databases (rs149304896, gnomAD 0.009%). This variant has not been reported in the literature in individuals affected with TMC8-related conditions. ClinVar contains an entry for this variant (Variation ID: 664282). Advanced modeling of protein sequence and biophysical properties (such as structural, functional, and spatial information, amino acid conservation, physicochemical variation, residue mobility, and thermodynamic stability) performed at Invitae indicates that this missense variant is not expected to disrupt TMC8 protein function with a negative predictive value of 80%. In summary, the available evidence is currently insufficient to determine the role of this variant in disease. Therefore, it has been classified as a Variant of Uncertain Significance.